The following is an entry in ClinVar:

NM_006623.4(PHGDH):c.1222dup (p.His408fs)

Gene: PHGDH (phosphoglycerate dehydrogenase; plus strand). Cytogenetic location: 1p12.
Variant type: Duplication.
Coding change: c.1222dup on transcript NM_006623.4 (MANE Select); coding-DNA position 1222, one base duplicated (C; older notation c.1222dupC).
Protein change: p.His408fs; shifts the reading frame from histidine 408.
Molecular consequence: frameshift variant.
Genome position (GRCh38, 1-based): chr1:119,742,819, C duplicated; the last of 3 consecutive C bases (chr1:119,742,817-119,742,819); duplicating any one gives the same sequence. VCF-style (leftmost placement, unchanged base first): chr1-119742816-T-TC. GRCh37 (hg19) VCF-style: chr1-120285439-T-TC.
Other names: short protein forms H408fs.
Identifiers: ClinVar variation 1358340 (VCV001358340.8), dbSNP rs2101224520, ClinGen allele CA2573131035.
Genomic context (GRCh38, chr1:119,742,816, plus strand): 5'-GGACGTGGTGCAGCCAGGAGGTGTAACAGTCACCTTGCCTTCTCCACACAGGTCACCACC[T>TC]CCCACAGCCCTGCTGCACCAGGGGAGCAAGGCTTCGGGGAATGCCTCCTGGCCGTGGCCC-3'

ClinVar aggregate classification (germline): Pathogenic (1 of 4 stars; one submission).

Conditions:
PHGDH deficiency. Identifiers: Orphanet 79351, MedGen C1866174, MONDO:0011152, OMIM 601815.

Submission:

Labcorp Genetics (formerly Invitae), Labcorp
Classification: Pathogenic for PHGDH deficiency. Last evaluated: 2021-02-11. Review status: criteria provided, single submitter. Criteria: Invitae Variant Classification Sherloc (09022015). Collection method: clinical testing. Allele origin: germline.
Comment: For these reasons, this variant has been classified as Pathogenic. This variant disrupts the C-terminus of the PHGDH protein. Other variant(s) that disrupt this region (p.Thr480*) have been determined to be pathogenic (Invitae). This suggests that variants that disrupt this region of the protein are likely to be causative of disease. This variant has not been reported in the literature in individuals with PHGDH-related conditions. This variant is not present in population databases (ExAC no frequency). This sequence change creates a premature translational stop signal (p.His408Profs*67) in the PHGDH gene. While this is not anticipated to result in nonsense mediated decay, it is expected to disrupt the last 126 amino acid(s) of the PHGDH protein.